The following is an entry in ClinVar:

ClinVar aggregate classification (germline): Uncertain significance (1 of 4 stars; one submission).

Submission:

GeneDx
Classification: Uncertain significance. Last evaluated: 2023-07-27. Review status: criteria provided, single submitter. Criteria: GeneDx Variant Classification Process June 2021. Collection method: clinical testing. Allele origin: germline. Affected: yes.
Comment: Not observed at significant frequency in large population cohorts (gnomAD); In silico analysis supports that this missense variant has a deleterious effect on protein structure/function; Has not been previously published as pathogenic or benign to our knowledge

NM_001379029.1(CERT1):c.1424T>C (p.Ile475Thr)

Gene: CERT1 (ceramide transporter 1; minus strand). Cytogenetic location: 5q13.3.
Variant type: single nucleotide variant.
Coding change: c.1424T>C on transcript NM_001379029.1 (MANE Select); coding-DNA position 1424, T replaced by C.
Protein change: p.Ile475Thr; replaces isoleucine 475 with threonine.
Molecular consequence: missense variant.
Genome position (GRCh38, 1-based): chr5:75,384,706, A>G on the plus strand (T>C on the coding strand, the complement: CERT1 is on the minus strand). VCF-style: chr5-75384706-A-G. GRCh37 (hg19) VCF-style: chr5-74680531-A-G.
Other names: c.1808T>C, p.Ile603Thr (NM_001130105.1); c.1424T>C, p.Ile475Thr (NM_001379002.1, NM_005713.3); c.1346T>C, p.Ile449Thr (NM_001379003.1, NM_001379004.1, NM_031361.3); short protein forms I449T, I475T, I603T.
Identifiers: ClinVar variation 3361482 (VCV003361482.1).
Genomic context (GRCh38, chr5:75,384,706, plus strand): 5'-TGTGTTTGATAAATGATGATTGCATTATCAGCTAATGTTTCCACCACATGAAAGTTTTCT[A>G]TAGTTGCTGAAATGAAGAGAATAATAAAAAGATATATTATCTTTTCCTAGAATGTGATCA-3'
Protein context (NP_001365958.1, residues 465-485): VDVRNDWETT[Ile475Thr]ENFHVVETLA